The following is an entry in ClinVar:

ClinVar aggregate classification (germline): Uncertain significance. Review status: criteria provided, multiple submitters, no conflicts (2 of 4 stars). 3 submissions from 3 submitters: Uncertain significance (3). Last evaluated 2025-12-21.

Conditions:
Inborn genetic diseases. Identifiers: MedGen C0950123, MeSH D030342.

Allele frequency attached by ClinVar (database versions not stated): TOPMed 0.00036; ESP Exome Variant Server 0.00031; ExAC 0.00009; gnomAD 0.00031; gnomAD exomes 0.00002.
gnomAD v4.1: 85 of 1,614,188 alleles (0.0053%); highest among the groups gnomAD compares: African/African-American, 0.1%; 1 homozygote.

Submissions (3):

GeneDx
Classification: Uncertain significance. Last evaluated: 2025-12-21. Review status: criteria provided, single submitter. Criteria: GeneDx Variant Classification Process June 2021. Collection method: clinical testing. Allele origin: germline.
Comment: In silico analysis suggests that this missense variant does not alter protein structure/function; Has not been previously published as pathogenic or benign to our knowledge

Ambry Genetics
Classification: Uncertain significance for Inborn genetic diseases. Last evaluated: 2024-05-01. Review status: criteria provided, single submitter. Criteria: Ambry Variant Classification Scheme 2023. Collection method: clinical testing. Allele origin: germline.

Labcorp Genetics (formerly Invitae), Labcorp
Classification: Uncertain significance. Last evaluated: 2022-08-22. Review status: criteria provided, single submitter. Criteria: Invitae Variant Classification Sherloc (09022015). Collection method: clinical testing. Allele origin: germline.
Comment: This sequence change replaces lysine, which is basic and polar, with arginine, which is basic and polar, at codon 251 of the SLC25A38 protein (p.Lys251Arg). This variant is present in population databases (rs201190883, gnomAD 0.1%). This variant has not been reported in the literature in individuals affected with SLC25A38-related conditions. Algorithms developed to predict the effect of missense changes on protein structure and function output the following: SIFT: "Tolerated"; PolyPhen-2: "Benign"; Align-GVGD: "Class C0". The arginine amino acid residue is found in multiple mammalian species, which suggests that this missense change does not adversely affect protein function. In summary, the available evidence is currently insufficient to determine the role of this variant in disease. Therefore, it has been classified as a Variant of Uncertain Significance.

NM_017875.4(SLC25A38):c.752A>G (p.Lys251Arg)

Gene: SLC25A38 (solute carrier family 25 member 38; plus strand). Cytogenetic location: 3p22.1.
Variant type: single nucleotide variant.
Coding change: c.752A>G on transcript NM_017875.4 (MANE Select); coding-DNA position 752, A replaced by G.
Protein change: p.Lys251Arg; replaces lysine 251 with arginine.
Molecular consequence: missense variant. On other transcripts: intron variant (1).
Genome position (GRCh38, 1-based): chr3:39,394,536, A>G. VCF-style: chr3-39394536-A-G. GRCh37 (hg19) VCF-style: chr3-39436027-A-G.
Other names: c.626-1862A>G (NM_001354798.2); short protein forms K251R.
Identifiers: ClinVar variation 2072927 (VCV002072927.5), dbSNP rs201190883, ClinGen allele CA2327541.